The following is an entry in ClinVar:

NM_001655.5(ARCN1):c.1148C>T (p.Ser383Leu)

Gene: ARCN1 (archain 1 coat protein complex I subunit delta; plus strand). Cytogenetic location: 11q23.3.
Variant type: single nucleotide variant.
Coding change: c.1148C>T on transcript NM_001655.5 (MANE Select); coding-DNA position 1148, C replaced by T.
Protein change: p.Ser383Leu; replaces serine 383 with leucine.
Molecular consequence: missense variant. On other transcripts: non-coding transcript variant (2).
Genome position (GRCh38, 1-based): chr11:118,593,605, C>T. VCF-style: chr11-118593605-C-T. GRCh37 (hg19) VCF-style: chr11-118464320-C-T.
Other names: c.884C>T, p.Ser295Leu (NM_001142281.2, NM_001425081.1); c.1148C>T, p.Ser383Leu (NM_001425073.1, NM_001425078.1); c.1145C>T, p.Ser382Leu (NM_001425074.1, NM_001425079.1); c.1091C>T, p.Ser364Leu (NM_001425075.1); c.1079C>T, p.Ser360Leu (NM_001425076.1); c.983C>T, p.Ser328Leu (NM_001425077.1); c.704C>T, p.Ser235Leu (NM_001425080.1); short protein forms S235L, S382L, S364L, S383L, S295L, S328L, S360L.
Identifiers: ClinVar variation 4742529 (VCV004742529.1).

ClinVar aggregate classification (germline): Uncertain significance (1 of 4 stars; one submission).

gnomAD v4.1: 12 of 1,612,014 alleles (0.00074%); highest among the groups gnomAD compares: South Asian, 0.0011%; no homozygotes.

Submission:

Labcorp Genetics (formerly Invitae), Labcorp
Classification: Uncertain significance. Last evaluated: 2025-05-14. Review status: criteria provided, single submitter. Criteria: Invitae Variant Classification Sherloc (09022015). Collection method: clinical testing. Allele origin: germline.
Comment: This sequence change replaces serine, which is neutral and polar, with leucine, which is neutral and non-polar, at codon 383 of the ARCN1 protein (p.Ser383Leu). This variant is present in population databases (rs781854189, gnomAD 0.002%). This variant has not been reported in the literature in individuals affected with ARCN1-related conditions. An algorithm developed to predict the effect of missense changes on protein structure and function (PolyPhen-2) suggests that this variant is likely to be disruptive. In summary, the available evidence is currently insufficient to determine the role of this variant in disease. Therefore, it has been classified as a Variant of Uncertain Significance.